The following is an entry in ClinVar:

NM_017934.7(PHIP):c.694G>A (p.Ala232Thr)

Gene: PHIP (PHIP subunit of CUL4-Ring ligase complex; minus strand). Cytogenetic location: 6q14.1.
Variant type: single nucleotide variant.
Coding change: c.694G>A on transcript NM_017934.7 (MANE Select); coding-DNA position 694, G replaced by A.
Protein change: p.Ala232Thr; replaces alanine 232 with threonine.
Molecular consequence: missense variant.
Genome position (GRCh38, 1-based): chr6:79,026,071, C>T on the plus strand (G>A on the coding strand, the complement: PHIP is on the minus strand). VCF-style: chr6-79026071-C-T. GRCh37 (hg19) VCF-style: chr6-79735788-C-T.
Other names: c.694G>A (NM_017934.5); short protein forms A232T.
Identifiers: ClinVar variation 3355496 (VCV003355496.2).
Genomic context (GRCh38, chr6:79,026,071, plus strand): 5'-AGACTCGGATCATTTTATCACAACTTCCAGCTGCTATCATGGTATTCTCATAGTTTACAG[C>T]CATGTCTGATATTTCAGCAGCATGTCCTCTTAAGGTAGCTAACAACCTCCCATCATCTGT-3'
Protein context (NP_060404.4, residues 222-242): RGHAAEISDM[Ala232Thr]VNYENTMIAA

ClinVar aggregate classification (germline): Uncertain significance. Review status: criteria provided, single submitter (1 of 4 stars). 2 submissions from 2 submitters: Uncertain significance (1). 1 of the submissions does not count toward it. Last evaluated 2024-10-16.

Conditions:
PHIP-related disorder. Also called: PHIP-related condition; PHIP-related disorders.
Inborn genetic diseases. Identifiers: MedGen C0950123, MeSH D030342.

Submissions (2):

Ambry Genetics
Classification: Uncertain significance for Inborn genetic diseases. Last evaluated: 2024-10-16. Review status: criteria provided, single submitter. Criteria: Ambry Variant Classification Scheme 2023. Collection method: clinical testing. Allele origin: germline.
Comment: The c.694G>A (p.A232T) alteration is located in exon 8 (coding exon 8) of the PHIP gene. This alteration results from a G to A substitution at nucleotide position 694, causing the alanine (A) at amino acid position 232 to be replaced by a threonine (T). This variant was not reported in population-based cohorts in the Genome Aggregation Database (gnomAD). This variant has been reported in a cohort of individuals with neurodevelopmental disorders but clinical details were limited (Wang, 2020). This amino acid position is highly conserved in available vertebrate species. This missense alteration is located in a region that has a low rate of benign missense variation (Lek, 2016; Firth, 2009). The in silico prediction for this alteration is inconclusive. Based on insufficient or conflicting evidence, the clinical significance of this alteration remains unclear.

PreventionGenetics, part of Exact Sciences
Classification: Uncertain significance for PHIP-related condition. Last evaluated: 2024-08-22. Review status: no assertion criteria provided. Collection method: clinical testing. Allele origin: germline. Not counted in ClinVar's aggregate classification.
Comment: The PHIP c.694G>A variant is predicted to result in the amino acid substitution p.Ala232Thr. This variant was reported as an ultra-rare severe variant in a large scale study of individuals with neurodevelopmental disorders (Supplementary Data 5, Wang et al. 2020. PubMed ID: 33004838). This variant has not been reported in a large population database, indicating this variant is rare. At this time, the clinical significance of this variant is uncertain due to the absence of conclusive functional and genetic evidence.

Literature cited by the submitters: PubMed 33004838 (cited by Ambry Genetics).